The following is an entry in ClinVar:

ClinVar aggregate classification (germline): Pathogenic/Likely pathogenic. Review status: criteria provided, multiple submitters, no conflicts (2 of 4 stars). 7 submissions from 7 submitters: Pathogenic (4); Likely pathogenic (2). 1 of the submissions does not count toward it. Last evaluated 2025-11-18.

Conditions:
Phenylketonuria (PKU). Also called: FOLLING DISEASE; OLIGOPHRENIA PHENYLPYRUVICA; Phenylketonurias; Phenylketonuria (PKU). Identifiers: Orphanet 716, MedGen C0031485, MONDO:0009861, OMIM 261600. Disease mechanism: loss of function.

Submissions (7):

Labcorp Genetics (formerly Invitae), Labcorp
Classification: Pathogenic for Phenylketonuria. Last evaluated: 2025-11-18. Review status: criteria provided, single submitter. Criteria: Invitae Variant Classification Sherloc (09022015). Collection method: clinical testing. Allele origin: germline.
Comment: This sequence change creates a premature translational stop signal (p.Trp120Glyfs*75) in the PAH gene. It is expected to result in an absent or disrupted protein product. Loss-of-function variants in PAH are known to be pathogenic (PMID: 1301187, 9634518). This variant is present in population databases (rs794727619, gnomAD 0.0009%). This variant has not been reported in the literature in individuals affected with PAH-related conditions. ClinVar contains an entry for this variant (Variation ID: 197125). For these reasons, this variant has been classified as Pathogenic.

Natera, Inc.
Classification: Likely pathogenic for Phenylketonuria. Last evaluated: 2025-11-10. Review status: criteria provided, single submitter. Criteria: Natera Variant Classification Schema (03/2026). Collection method: clinical testing. Allele origin: germline.
Comment: The c.357del variant in PAH is a frameshift variant predicted to shift the reading frame beginning at codon 120 and leads to a stop codon 75 codons downstream. This variant is expected to result in nonsense mediated decay, truncation, or a dysfunctional protein product. This variant is rare in the general population with a frequency below the threshold expected for the associated phenotype(s). Given the available evidence, this variant is classified as Likely Pathogenic.

GeneDx
Classification: Pathogenic. Last evaluated: 2024-09-09. Review status: criteria provided, single submitter. Criteria: GeneDx Variant Classification Process June 2021. Collection method: clinical testing. Allele origin: germline. Affected: yes.
Comment: Frameshift variant predicted to result in protein truncation or nonsense mediated decay in a gene for which loss of function is a known mechanism of disease; Not observed at significant frequency in large population cohorts (gnomAD); Has not been previously published as pathogenic or benign to our knowledge; This variant is associated with the following publications: (PMID: 9634518, 1301187, 38277958, 24130151)

Baylor Genetics
Classification: Likely pathogenic for Phenylketonuria. Last evaluated: 2023-07-08. Review status: criteria provided, single submitter. Criteria: ACMG Guidelines, 2015. Collection method: clinical testing. Allele origin: unknown.

Victorian Clinical Genetics Services, Murdoch Childrens Research Institute
Classification: Pathogenic for Phenylketonuria. Last evaluated: 2022-06-24. Review status: criteria provided, single submitter. Criteria: ACMG Guidelines, 2015. Collection method: clinical testing. Allele origin: germline. Inheritance: Autosomal recessive inheritance.
Comment: Based on the classification scheme VCGS_Germline_v1.3.4, this variant is classified as pathogenic. The following criteria are met: 0102 - Loss of function is a known mechanism of disease in this gene and is associated with phenylketonuria (MIM#261600). (I) 0106 - This gene is associated with autosomal recessive disease. (I) 0201 - Variant is predicted to cause nonsense-mediated decay (NMD) and loss of protein (premature termination codon is located at least 54 nucleotides upstream of the final exon-exon junction). (SP) 0251 - This variant is heterozygous. (I) 0304 - Variant is present in gnomAD (v2 and v3) <0.01 for a recessive condition (2 heterozygotes, 0 homozygotes). (SP) 0802 - This variant has moderate previous evidence of pathogenicity in unrelated individuals. This variant has been reported as pathogenic twice and likely pathogenic once in ClinVar. A variant affecting a different nucleotide resulting in the same protein change, c.358delT; p.(Trp120Glyfs*75), has been reported in a homozygous individual with phenylketonuria (PMID: 24130151, BIOPKU database). (SP) 0905 - No published segregation evidence has been identified for this variant. (I) 1007 - No published functional evidence has been identified for this variant. (I) 0701 - Other NMD predicted variants comparable to the one identified in this case have very strong previous evidence for pathogenicity (ClinVar). (SP) Legend: (SP) - Supporting pathogenic, (I) - Information, (SB) - Supporting benign

Eurofins Ntd Llc (ga)
Classification: Pathogenic. Last evaluated: 2017-05-16. Review status: criteria provided, single submitter. Criteria: EGL Classification Definitions 2015. Collection method: clinical testing. Allele origin: germline. Observed: 2 variant alleles, 2 heterozygotes.

Counsyl
Classification: Likely pathogenic for Phenylketonuria. Last evaluated: 2017-06-09. Review status: no assertion criteria provided. Collection method: clinical testing. Allele origin: unknown. Not counted in ClinVar's aggregate classification.

Literature cited by the submitters: PubMed 1301187 (cited by Labcorp Genetics (formerly Invitae), Labcorp); PubMed 9634518 (cited by Labcorp Genetics (formerly Invitae), Labcorp); PubMed 24130151 (cited by Victorian Clinical Genetics Services, Murdoch Childrens Research Institute).

NM_000277.3(PAH):c.357del (p.Trp120fs)

Gene: PAH (phenylalanine hydroxylase; minus strand). Cytogenetic location: 12q23.2.
Variant type: Deletion.
Coding change: c.357del on transcript NM_000277.3 (MANE Select); coding-DNA position 357, one base deleted (C; older notation c.357delC).
Protein change: p.Trp120fs; shifts the reading frame from tryptophan 120.
Molecular consequence: frameshift variant.
Genome position (GRCh38, 1-based): chr12:102,877,546, G deleted on the plus strand (C on the coding strand, the reverse complement: PAH is on the minus strand); the first of 3 consecutive G bases (chr12:102,877,546-102,877,548); deleting any one gives the same sequence. VCF-style (leftmost placement, unchanged base first): chr12-102877545-AG-A. GRCh37 (hg19) VCF-style: chr12-103271323-AG-A.
Other names: c.357del, p.Trp120fs (NM_001354304.2); c.357del (NM_000277.1, NM_000277.2); short protein forms W120fs.
Identifiers: ClinVar variation 197125 (VCV000197125.20), dbSNP rs794727619, ClinGen allele CA275242.